The following is an entry in ClinVar:

ClinVar aggregate classification (germline): Uncertain significance (1 of 4 stars; one submission).

Submission:

Labcorp Genetics (formerly Invitae), Labcorp
Classification: Uncertain significance. Last evaluated: 2024-11-13. Review status: criteria provided, single submitter. Criteria: Invitae Variant Classification Sherloc (09022015). Collection method: clinical testing. Allele origin: germline.
Comment: This sequence change replaces serine, which is neutral and polar, with proline, which is neutral and non-polar, at codon 229 of the NRL protein (p.Ser229Pro). This variant is not present in population databases (gnomAD no frequency). This variant has not been reported in the literature in individuals affected with NRL-related conditions. An algorithm developed to predict the effect of missense changes on protein structure and function outputs the following: PolyPhen-2: "Benign". The proline amino acid residue is found in multiple mammalian species, which suggests that this missense change does not adversely affect protein function. In summary, the available evidence is currently insufficient to determine the role of this variant in disease. Therefore, it has been classified as a Variant of Uncertain Significance.

NM_001354768.3(NRL):c.685T>C (p.Ser229Pro)

Genes: NRL (neural retina leucine zipper; minus strand), LOC130055387 (ATAC-STARR-seq lymphoblastoid silent region 5620; plus strand). Cytogenetic location: 14q11.2.
Variant type: single nucleotide variant.
Coding change: c.685T>C on transcript NM_001354768.3 (MANE Select); coding-DNA position 685, T replaced by C.
Protein change: p.Ser229Pro; replaces serine 229 with proline.
Molecular consequence: missense variant.
Genome position (GRCh38, 1-based): chr14:24,081,265, A>G on the plus strand (T>C on the coding strand, the complement: NRL is on the minus strand). VCF-style: chr14-24081265-A-G. GRCh37 (hg19) VCF-style: chr14-24550474-A-G.
Other names: c.685T>C, p.Ser229Pro (NM_001354769.1, NM_006177.5); c.370T>C, p.Ser124Pro (NM_001354770.2); short protein forms S124P, S229P.
Identifiers: ClinVar variation 3725143 (VCV003725143.2).
Genomic context (GRCh38, chr14:24,081,265, plus strand): 5'-CCCCACTACACCACAAGGTGCTCTGAACGGCTCAGAGGAAGAGGTGGGAGGGGTCCCCGG[A>G]CCCGGGGCCGCTCGAGGTTAGCCGGTCACAGCGAGCCTTGTAGAGATCGCGCTCCCGGGC-3'
Protein context (NP_001341697.1, residues 219-237): CDRLTSSGPG[Ser229Pro]GDPSHLFL